The following is an entry in ClinVar:

ClinVar aggregate classification (germline): Uncertain significance (1 of 4 stars; one submission).

Submission:

Labcorp Genetics (formerly Invitae), Labcorp
Classification: Uncertain significance. Last evaluated: 2021-11-11. Review status: criteria provided, single submitter. Criteria: Invitae Variant Classification Sherloc (09022015). Collection method: clinical testing. Allele origin: germline.
Comment: In summary, the available evidence is currently insufficient to determine the role of this variant in disease. Therefore, it has been classified as a Variant of Uncertain Significance. Algorithms developed to predict the effect of missense changes on protein structure and function (SIFT, PolyPhen-2, Align-GVGD) all suggest that this variant is likely to be tolerated. This variant has not been reported in the literature in individuals affected with COPB2-related conditions. This variant is not present in population databases (gnomAD no frequency). This sequence change replaces methionine, which is neutral and non-polar, with leucine, which is neutral and non-polar, at codon 330 of the COPB2 protein (p.Met330Leu).

NM_004766.3(COPB2):c.988A>T (p.Met330Leu)

Gene: COPB2 (coat protein complex I subunit beta 2; minus strand). Cytogenetic location: 3q23.
Variant type: single nucleotide variant.
Coding change: c.988A>T on transcript NM_004766.3 (MANE Select); coding-DNA position 988, A replaced by T.
Protein change: p.Met330Leu; replaces methionine 330 with leucine.
Molecular consequence: missense variant. On other transcripts: non-coding transcript variant (1).
Genome position (GRCh38, 1-based): chr3:139,373,319, T>A on the plus strand (A>T on the coding strand, the complement: COPB2 is on the minus strand). VCF-style: chr3-139373319-T-A. GRCh37 (hg19) VCF-style: chr3-139092161-T-A.
Other names: short protein forms M330L.
Identifiers: ClinVar variation 1466422 (VCV001466422.6), dbSNP rs1245634961, ClinGen allele CA354756909.